The following is an entry in ClinVar:

ClinVar aggregate classification (germline): Uncertain significance (1 of 4 stars; one submission).

Allele frequency attached by ClinVar (database versions not stated): ExAC 0.00001; TOPMed 0.00001; 1000 Genomes Project 30x 0.00016; 1000 Genomes Project 0.00020.
gnomAD v4.1: 3 of 1,612,240 alleles (0.00019%); highest among the groups gnomAD compares: African/African-American, 0.0013%; no homozygotes.

Submission:

Labcorp Genetics (formerly Invitae), Labcorp
Classification: Uncertain significance. Last evaluated: 2024-10-15. Review status: criteria provided, single submitter. Criteria: Invitae Variant Classification Sherloc (09022015). Collection method: clinical testing. Allele origin: germline.
Comment: This sequence change replaces proline, which is neutral and non-polar, with alanine, which is neutral and non-polar, at codon 1092 of the PCARE protein (p.Pro1092Ala). This variant is present in population databases (rs554207986, gnomAD 0.007%). This variant has not been reported in the literature in individuals affected with PCARE-related conditions. ClinVar contains an entry for this variant (Variation ID: 1524229). An algorithm developed to predict the effect of missense changes on protein structure and function outputs the following: PolyPhen-2: "Benign". The alanine amino acid residue is found in multiple mammalian species, which suggests that this missense change does not adversely affect protein function. In summary, the available evidence is currently insufficient to determine the role of this variant in disease. Therefore, it has been classified as a Variant of Uncertain Significance.

NM_001029883.3(PCARE):c.3274C>G (p.Pro1092Ala)

Gene: PCARE (photoreceptor cilium actin regulator; minus strand). Cytogenetic location: 2p23.2.
Variant type: single nucleotide variant.
Coding change: c.3274C>G on transcript NM_001029883.3 (MANE Select); coding-DNA position 3274, C replaced by G.
Protein change: p.Pro1092Ala; replaces proline 1092 with alanine.
Molecular consequence: missense variant.
Genome position (GRCh38, 1-based): chr2:29,070,988, G>C on the plus strand (C>G on the coding strand, the complement: PCARE is on the minus strand). VCF-style: chr2-29070988-G-C. GRCh37 (hg19) VCF-style: chr2-29293854-G-C.
Other names: short protein forms P1092A.
Identifiers: ClinVar variation 1524229 (VCV001524229.8), dbSNP rs554207986, ClinGen allele CA1591978.